The following is an entry in ClinVar:

ClinVar aggregate classification (germline): Uncertain significance (1 of 4 stars; one submission).

Allele frequency attached by ClinVar (database versions not stated): gnomAD exomes below 0.00001; gnomAD 0.00001; ExAC 0.00002; TOPMed 0.00002; ESP Exome Variant Server 0.00008.
gnomAD v4.1: 6 of 1,614,050 alleles (0.00037%); highest among the groups gnomAD compares: African/African-American, 0.004%; no homozygotes.

Submission:

Women's Health and Genetics/Laboratory Corporation of America, LabCorp
Classification: Uncertain significance. Last evaluated: 2023-11-14. Review status: criteria provided, single submitter. Criteria: LabCorp Variant Classification Summary - May 2015. Collection method: clinical testing. Allele origin: germline.
Comment: Variant summary: MYH9 c.1537G>A (p.Asp513Asn) results in a conservative amino acid change located in the Myosin head, motor domain (IPR001609) of the encoded protein sequence. Four of five in-silico tools predict a damaging effect of the variant on protein function. The variant allele was found at a frequency of 8e-06 in 251424 control chromosomes (gnomAD). The available data on variant occurrences in the general population are insufficient to allow any conclusion about variant significance. To our knowledge, no occurrence of c.1537G>A in individuals affected with Macrothrombocytopenia And Granulocyte Inclusions With Or Without Nephritis Or Sensorineural Hearing Loss and no experimental evidence demonstrating its impact on protein function have been reported. No submitters have reported clinical-significance assessments for this variant to ClinVar after 2014. Based on the evidence outlined above, the variant was classified as uncertain significance.

NM_002473.6(MYH9):c.1537G>A (p.Asp513Asn)

Gene: MYH9 (myosin heavy chain 9; minus strand). Cytogenetic location: 22q12.3.
Variant type: single nucleotide variant.
Coding change: c.1537G>A on transcript NM_002473.6 (MANE Select); coding-DNA position 1537, G replaced by A.
Protein change: p.Asp513Asn; replaces aspartic acid 513 with asparagine.
Molecular consequence: missense variant.
Genome position (GRCh38, 1-based): chr22:36,314,162, C>T on the plus strand (G>A on the coding strand, the complement: MYH9 is on the minus strand). VCF-style: chr22-36314162-C-T. GRCh37 (hg19) VCF-style: chr22-36710207-C-T.
Other names: short protein forms D513N.
Identifiers: ClinVar variation 2682504 (VCV002682504.1), dbSNP rs375899392, ClinGen allele CA10210263.